The following is an entry in ClinVar:

NM_004525.3(LRP2):c.4920+6T>C

Gene: LRP2 (LDL receptor related protein 2; minus strand). Cytogenetic location: 2q31.1.
Variant type: single nucleotide variant.
Coding change: c.4920+6T>C on transcript NM_004525.3 (MANE Select); 6 bases into the intron after coding-DNA position 4920, T replaced by C.
Molecular consequence: intron variant.
Genome position (GRCh38, 1-based): chr2:169,235,834, A>G on the plus strand (T>C on the coding strand, the complement: LRP2 is on the minus strand). VCF-style: chr2-169235834-A-G. GRCh37 (hg19) VCF-style: chr2-170092344-A-G.
Identifiers: ClinVar variation 1466101 (VCV001466101.7), dbSNP rs748575807, ClinGen allele CA1954690.
Genomic context (GRCh38, chr2:169,235,834, plus strand): 5'-TACTCGTCTGATTTCTACCTATCCACGACTGTAGTTTTAATTTGGTTTTCCTCACCACCA[A>G]CTTACCAAATCACTGGCTATCACCTGTCTCCGATGGTGTCCATTATAATCACAAAAGTCC-3'

ClinVar aggregate classification (germline): Uncertain significance. Review status: criteria provided, multiple submitters, no conflicts (2 of 4 stars). 3 submissions from 3 submitters: Uncertain significance (3). Last evaluated 2025-07-24.

Conditions:
Donnai-Barrow syndrome. Also called: DBS/FOAR SYNDROME; FACIOOCULOACOUSTICORENAL SYNDROME. Identifiers: Orphanet 2143, MedGen C1857277, MONDO:0009104, OMIM 222448.

Allele frequency attached by ClinVar (database versions not stated): ExAC 0.00001; gnomAD 0.00001; gnomAD exomes 0.00002; TOPMed 0.00003.
gnomAD v4.1: 28 of 1,611,056 alleles (0.0017%); highest among the groups gnomAD compares: African/African-American, 0.0054%; no homozygotes.

Submissions (3):

GeneDx
Classification: Uncertain significance. Last evaluated: 2025-07-24. Review status: criteria provided, single submitter. Criteria: GeneDx Variant Classification Process June 2021. Collection method: clinical testing. Allele origin: germline. Affected: yes.
Comment: In silico analysis supports a deleterious effect on splicing; Has not been previously published as pathogenic or benign to our knowledge

Labcorp Genetics (formerly Invitae), Labcorp
Classification: Uncertain significance. Last evaluated: 2024-06-25. Review status: criteria provided, single submitter. Criteria: Invitae Variant Classification Sherloc (09022015). Collection method: clinical testing. Allele origin: germline.
Comment: This sequence change falls in intron 29 of the LRP2 gene. It does not directly change the encoded amino acid sequence of the LRP2 protein. It affects a nucleotide within the consensus splice site. This variant is present in population databases (rs748575807, gnomAD 0.01%). This variant has not been reported in the literature in individuals affected with LRP2-related conditions. ClinVar contains an entry for this variant (Variation ID: 1466101). Variants that disrupt the consensus splice site are a relatively common cause of aberrant splicing (PMID: 17576681, 9536098). Algorithms developed to predict the effect of sequence changes on RNA splicing suggest that this variant may disrupt the consensus splice site. In summary, the available evidence is currently insufficient to determine the role of this variant in disease. Therefore, it has been classified as a Variant of Uncertain Significance.

Fulgent Genetics
Classification: Uncertain significance for Donnai-Barrow syndrome. Last evaluated: 2021-07-29. Review status: criteria provided, single submitter. Criteria: ACMG Guidelines, 2015. Collection method: clinical testing. Allele origin: unknown.

Literature cited by the submitters: PubMed 17576681 (cited by Labcorp Genetics (formerly Invitae), Labcorp); PubMed 9536098 (cited by Labcorp Genetics (formerly Invitae), Labcorp).